The following is an entry in ClinVar:

ClinVar aggregate classification (germline): Uncertain significance (1 of 4 stars; one submission).

Allele frequency attached by ClinVar (database versions not stated): gnomAD exomes 0.00001 and 0.00003; gnomAD 0.00005; TOPMed 0.00011.
gnomAD v4.1: 15 of 1,614,006 alleles (0.00093%); highest among the groups gnomAD compares: Admixed American, 0.023%; 1 homozygote.

Submission:

Labcorp Genetics (formerly Invitae), Labcorp
Classification: Uncertain significance. Last evaluated: 2023-05-28. Review status: criteria provided, single submitter. Criteria: Invitae Variant Classification Sherloc (09022015). Collection method: clinical testing. Allele origin: germline.
Comment: This sequence change replaces threonine, which is neutral and polar, with asparagine, which is neutral and polar, at codon 128 of the LPL protein (p.Thr128Asn). In summary, the available evidence is currently insufficient to determine the role of this variant in disease. Therefore, it has been classified as a Variant of Uncertain Significance. This variant disrupts the p.Thr128 amino acid residue in LPL. Other variant(s) that disrupt this residue have been observed in individuals with LPL-related conditions (PMID: 8778602), which suggests that this may be a clinically significant amino acid residue. Advanced modeling of protein sequence and biophysical properties (such as structural, functional, and spatial information, amino acid conservation, physicochemical variation, residue mobility, and thermodynamic stability) performed at Invitae indicates that this missense variant is expected to disrupt LPL protein function. ClinVar contains an entry for this variant (Variation ID: 1520537). This missense change has been observed in individual(s) with clinical features of chylomicronemia (Invitae). This variant is present in population databases (no rsID available, gnomAD 0.02%).

Literature cited by the submitters: PubMed 8778602.

NM_000237.3(LPL):c.383C>A (p.Thr128Asn)

Gene: LPL (lipoprotein lipase; plus strand). Cytogenetic location: 8p21.3.
Variant type: single nucleotide variant.
Coding change: c.383C>A on transcript NM_000237.3 (MANE Select); coding-DNA position 383, C replaced by A.
Protein change: p.Thr128Asn; replaces threonine 128 with asparagine.
Molecular consequence: missense variant.
Genome position (GRCh38, 1-based): chr8:19,951,902, C>A. VCF-style: chr8-19951902-C-A. GRCh37 (hg19) VCF-style: chr8-19809413-C-A.
Other names: short protein forms T128N.
Identifiers: ClinVar variation 1520537 (VCV001520537.8), dbSNP rs1231383321, ClinGen allele CA370467683.